The following is an entry in ClinVar:

ClinVar aggregate classification (germline): Uncertain significance (1 of 4 stars; one submission).

Conditions:
DLST-related disorder. Also called: DLST-related condition.

gnomAD v4.1: 6 of 1,609,426 alleles (0.00037%); highest among the groups gnomAD compares: Non-Finnish European, 0.00051%; no homozygotes.

Submission:

PreventionGenetics, part of Exact Sciences
Classification: Uncertain significance for DLST-related condition. Last evaluated: 2026-04-30. Review status: criteria provided, single submitter. Criteria: ACMG Guidelines, 2015. Collection method: clinical testing. Allele origin: germline.
Comment: The DLST c.592C>T variant is predicted to result in the amino acid substitution p.Pro198Ser. To our knowledge, this variant has not been reported in the literature. This variant is reported in 0.00090% of alleles in individuals of European (Non-Finnish) descent in gnomAD. At the time of reporting, this variant is absent from the ClinVar database. At this time, the clinical significance of this variant is uncertain due to the absence of conclusive functional and genetic evidence.

NM_001933.5(DLST):c.592C>T (p.Pro198Ser)

Genes: DLST (dihydrolipoamide S-succinyltransferase; plus strand), LOC130056099 (ATAC-STARR-seq lymphoblastoid active region 8732; plus strand). Cytogenetic location: 14q24.3.
Variant type: single nucleotide variant.
Coding change: c.592C>T on transcript NM_001933.5 (MANE Select); coding-DNA position 592, C replaced by T.
Protein change: p.Pro198Ser; replaces proline 198 with serine.
Molecular consequence: missense variant. On other transcripts: non-coding transcript variant (2).
Genome position (GRCh38, 1-based): chr14:74,892,983, C>T. VCF-style: chr14-74892983-C-T. GRCh37 (hg19) VCF-style: chr14-75359686-C-T.
Other names: short protein forms P198S.
Identifiers: ClinVar variation 4997001 (VCV004997001.1).